The following is an entry in ClinVar:

ClinVar aggregate classification (germline): Uncertain significance (1 of 4 stars; one submission).

Conditions:
Peroxisome biogenesis disorder, complementation group 7 (CG7). Also called: Peroxisome biogenesis disorder, complementation group B. Identifiers: MedGen C1864399.

gnomAD v4.1: 4 of 1,613,302 alleles (0.00025%); highest among the groups gnomAD compares: South Asian, 0.0033%; no homozygotes.

Submission:

Labcorp Genetics (formerly Invitae), Labcorp
Classification: Uncertain significance for Peroxisome biogenesis disorder, complementation group 7. Last evaluated: 2021-06-19. Review status: criteria provided, single submitter. Criteria: Invitae Variant Classification Sherloc (09022015). Collection method: clinical testing. Allele origin: germline.
Comment: This sequence change replaces leucine with tryptophan at codon 282 of the PEX10 protein (p.Leu282Trp). The leucine residue is weakly conserved and there is a small physicochemical difference between leucine and tryptophan. This variant is not present in population databases (ExAC no frequency). This variant has not been reported in the literature in individuals with PEX10-related conditions. Algorithms developed to predict the effect of missense changes on protein structure and function are either unavailable or do not agree on the potential impact of this missense change (SIFT: "Tolerated"; PolyPhen-2: "Possibly Damaging"; Align-GVGD: "Class C0"). In summary, the available evidence is currently insufficient to determine the role of this variant in disease. Therefore, it has been classified as a Variant of Uncertain Significance.

NM_002617.4(PEX10):c.785T>G (p.Leu262Trp)

Gene: PEX10 (peroxisomal biogenesis factor 10; minus strand). Cytogenetic location: 1p36.32.
Variant type: single nucleotide variant.
Coding change: c.785T>G on transcript NM_002617.4 (MANE Select); coding-DNA position 785, T replaced by G.
Protein change: p.Leu262Trp; replaces leucine 262 with tryptophan.
Molecular consequence: missense variant. On other transcripts: non-coding transcript variant (1).
Genome position (GRCh38, 1-based): chr1:2,406,611, A>C on the plus strand (T>G on the coding strand, the complement: PEX10 is on the minus strand). VCF-style: chr1-2406611-A-C. GRCh37 (hg19) VCF-style: chr1-2338050-A-C.
Other names: c.842T>G, p.Leu281Trp (NM_001374425.1); c.410T>G, p.Leu137Trp (NM_001374426.1); c.353T>G, p.Leu118Trp (NM_001374427.1); c.845T>G, p.Leu282Trp (NM_153818.2); short protein forms L137W, L118W, L262W, L281W, L282W.
Identifiers: ClinVar variation 1399432 (VCV001399432.8), dbSNP rs748829349, ClinGen allele CA337984798.